The following is an entry in ClinVar:

NM_005982.4(SIX1):c.419G>A (p.Arg140Gln)

Gene: SIX1 (SIX homeobox 1; minus strand). Cytogenetic location: 14q23.1.
Variant type: single nucleotide variant.
Coding change: c.419G>A on transcript NM_005982.4 (MANE Select); coding-DNA position 419, G replaced by A.
Protein change: p.Arg140Gln; replaces arginine 140 with glutamine.
Molecular consequence: missense variant.
Genome position (GRCh38, 1-based): chr14:60,648,771, C>T on the plus strand (G>A on the coding strand, the complement: SIX1 is on the minus strand). VCF-style: chr14-60648771-C-T. GRCh37 (hg19) VCF-style: chr14-61115489-C-T.
Other names: short protein forms R140Q.
Identifiers: ClinVar variation 1523586 (VCV001523586.5), dbSNP rs2140241105, ClinGen allele CA389910352.

ClinVar aggregate classification (germline): Uncertain significance. Review status: criteria provided, multiple submitters, no conflicts (2 of 4 stars). 2 submissions from 2 submitters: Uncertain significance (2). Last evaluated 2024-04-02.

Conditions:
Autosomal dominant nonsyndromic hearing loss 23. Identifiers: Orphanet 90635, MedGen C1854594, MONDO:0011519, OMIM 605192.
Branchiootic syndrome 3 (BOS3). Also called: BO SYNDROME 3. Identifiers: MedGen C1842124, MONDO:0012025, OMIM 608389.

Submissions (2):

Fulgent Genetics
Classification: Uncertain significance for Autosomal dominant nonsyndromic hearing loss 23; Branchiootic syndrome 3. Last evaluated: 2024-04-02. Review status: criteria provided, single submitter. Criteria: ACMG Guidelines, 2015. Collection method: clinical testing. Allele origin: germline.

Labcorp Genetics (formerly Invitae), Labcorp
Classification: Uncertain significance for Autosomal dominant nonsyndromic hearing loss 23; Branchiootic syndrome 3. Last evaluated: 2023-03-14. Review status: criteria provided, single submitter. Criteria: Invitae Variant Classification Sherloc (09022015). Collection method: clinical testing. Allele origin: germline.
Comment: This sequence change replaces arginine, which is basic and polar, with glutamine, which is neutral and polar, at codon 140 of the SIX1 protein (p.Arg140Gln). In summary, the available evidence is currently insufficient to determine the role of this variant in disease. Therefore, it has been classified as a Variant of Uncertain Significance. Advanced modeling of protein sequence and biophysical properties (such as structural, functional, and spatial information, amino acid conservation, physicochemical variation, residue mobility, and thermodynamic stability) performed at Invitae indicates that this missense variant is expected to disrupt SIX1 protein function. ClinVar contains an entry for this variant (Variation ID: 1523586). This variant has not been reported in the literature in individuals affected with SIX1-related conditions. This variant is not present in population databases (gnomAD no frequency).